The following is an entry in ClinVar:

ClinVar aggregate classification (germline): Uncertain significance (1 of 4 stars; one submission).

Allele frequency attached by ClinVar (database versions not stated): ExAC 0.00001; gnomAD 0.00001; gnomAD exomes 0.00001 and 0.00002; TOPMed 0.00001.
gnomAD v4.1: 11 of 1,611,316 alleles (0.00068%); highest among the groups gnomAD compares: Admixed American, 0.0034%; no homozygotes.

Submission:

Labcorp Genetics (formerly Invitae), Labcorp
Classification: Uncertain significance. Last evaluated: 2022-08-22. Review status: criteria provided, single submitter. Criteria: Invitae Variant Classification Sherloc (09022015). Collection method: clinical testing. Allele origin: germline.
Comment: This variant is present in population databases (rs112164069, gnomAD 0.006%). In summary, the available evidence is currently insufficient to determine the role of this variant in disease. Therefore, it has been classified as a Variant of Uncertain Significance. Variants that disrupt the consensus splice site are a relatively common cause of aberrant splicing (PMID: 17576681, 9536098). Algorithms developed to predict the effect of sequence changes on RNA splicing suggest that this variant is not likely to affect RNA splicing. ClinVar contains an entry for this variant (Variation ID: 1408057). This variant has not been reported in the literature in individuals affected with NDUFB8-related conditions. This sequence change falls in intron 1 of the NDUFB8 gene. It does not directly change the encoded amino acid sequence of the NDUFB8 protein. It affects a nucleotide within the consensus splice site.

Literature cited by the submitters: PubMed 17576681; PubMed 9536098.

NM_005004.4(NDUFB8):c.86-3T>C

Gene: NDUFB8 (NADH:ubiquinone oxidoreductase subunit B8; minus strand). Cytogenetic location: 10q24.31.
Variant type: single nucleotide variant.
Coding change: c.86-3T>C on transcript NM_005004.4 (MANE Select); 3 bases into the intron before coding-DNA position 86, T replaced by C.
Molecular consequence: intron variant.
Genome position (GRCh38, 1-based): chr10:100,529,509, A>G on the plus strand (T>C on the coding strand, the complement: NDUFB8 is on the minus strand). VCF-style: chr10-100529509-A-G. GRCh37 (hg19) VCF-style: chr10-102289266-A-G.
Other names: c.-8-3T>C (NM_001284368.1); c.86-3T>C (NM_001284367.2).
Identifiers: ClinVar variation 1408057 (VCV001408057.6), dbSNP rs112164069, ClinGen allele CA5650259.